The following is an entry in ClinVar:

ClinVar aggregate classification (germline): Uncertain significance. Review status: criteria provided, multiple submitters, no conflicts (2 of 4 stars). 2 submissions from 2 submitters: Uncertain significance (2). Last evaluated 2025-08-09.

Allele frequency attached by ClinVar (database versions not stated): gnomAD 0.00001; gnomAD exomes 0.00001; TOPMed 0.00001.
gnomAD v4.1: 7 of 1,612,568 alleles (0.00043%); highest among the groups gnomAD compares: Non-Finnish European, 0.00059%; no homozygotes.

Submissions (2):

Ambry Genetics
Classification: Uncertain significance. Last evaluated: 2025-08-09. Review status: criteria provided, single submitter. Criteria: Ambry Variant Classification Scheme 2023. Collection method: clinical testing. Allele origin: germline.
Comment: The p.Y55N variant (also known as c.163T>A), located in coding exon 3 of the RINT1 gene, results from a T to A substitution at nucleotide position 163. The tyrosine at codon 55 is replaced by asparagine, an amino acid with dissimilar properties. This amino acid position is conserved. In addition, this alteration is predicted to be tolerated by in silico analysis. Since supporting evidence is limited at this time, the clinical significance of this alteration remains unclear.

Labcorp Genetics (formerly Invitae), Labcorp
Classification: Uncertain significance. Last evaluated: 2024-05-08. Review status: criteria provided, single submitter. Criteria: Invitae Variant Classification Sherloc (09022015). Collection method: clinical testing. Allele origin: germline.
Comment: This sequence change replaces tyrosine, which is neutral and polar, with asparagine, which is neutral and polar, at codon 55 of the RINT1 protein (p.Tyr55Asn). This variant is not present in population databases (gnomAD no frequency). This variant has not been reported in the literature in individuals affected with RINT1-related conditions. ClinVar contains an entry for this variant (Variation ID: 2624758). Algorithms developed to predict the effect of missense changes on protein structure and function output the following: SIFT: "Not Available"; PolyPhen-2: "Benign"; Align-GVGD: "Not Available". The asparagine amino acid residue is found in multiple mammalian species, which suggests that this missense change does not adversely affect protein function. In summary, the available evidence is currently insufficient to determine the role of this variant in disease. Therefore, it has been classified as a Variant of Uncertain Significance.

NM_021930.6(RINT1):c.163T>A (p.Tyr55Asn)

Gene: RINT1 (RAD50 interactor 1; plus strand). Cytogenetic location: 7q22.3.
Variant type: single nucleotide variant.
Coding change: c.163T>A on transcript NM_021930.6 (MANE Select); coding-DNA position 163, T replaced by A.
Protein change: p.Tyr55Asn; replaces tyrosine 55 with asparagine.
Molecular consequence: missense variant. On other transcripts: 5 prime UTR variant (3), non-coding transcript variant (1), intron variant (1).
Genome position (GRCh38, 1-based): chr7:105,536,639, T>A. VCF-style: chr7-105536639-T-A. GRCh37 (hg19) VCF-style: chr7-105177086-T-A.
Other names: c.-857T>A (NM_001346600.2); c.-760T>A (NM_001346601.2); c.-380T>A (NM_001346603.2); c.39+27T>A (NM_001346599.2); short protein forms Y55N.
Identifiers: ClinVar variation 2624758 (VCV002624758.6), dbSNP rs1215296837, ClinGen allele CA368800217.